The following is an entry in ClinVar:

NM_020163.3(SEMA3G):c.944T>G (p.Leu315Arg)

Gene: SEMA3G (semaphorin 3G; minus strand). Cytogenetic location: 3p21.1.
Variant type: single nucleotide variant.
Coding change: c.944T>G on transcript NM_020163.3 (MANE Select); coding-DNA position 944, T replaced by G.
Protein change: p.Leu315Arg; replaces leucine 315 with arginine.
Molecular consequence: missense variant.
Genome position (GRCh38, 1-based): chr3:52,440,808, A>C on the plus strand (T>G on the coding strand, the complement: SEMA3G is on the minus strand). VCF-style: chr3-52440808-A-C. GRCh37 (hg19) VCF-style: chr3-52474824-A-C.
Other names: short protein forms L315R.
Identifiers: ClinVar variation 4986134 (VCV004986134.1).
Genomic context (GRCh38, chr3:52,440,808, plus strand): 5'-GCCCACCTGACGGTGCTGAACAGCGCGTACACCTCGAGGCTCTTCCCGGCCTTGGGCCAC[A>C]GCAGGAACACATCCTCTGGGGTAGAGAAAGGAGTATGAGTGTCATGGCCACCGCCAATGC-3'
Protein context (NP_064548.1, residues 305-325): HFDQLEDVFL[Leu315Arg]WPKAGKSLEV

ClinVar aggregate classification (germline): Uncertain significance (1 of 4 stars; one submission).

Conditions:
SEMA3G-related disorder. Also called: SEMA3G-related condition.

gnomAD v4.1: 9 of 1,612,742 alleles (0.00056%); highest among the groups gnomAD compares: Non-Finnish European, 0.00076%; no homozygotes.

Submission:

PreventionGenetics, part of Exact Sciences
Classification: Uncertain significance for SEMA3G-related condition. Last evaluated: 2025-11-11. Review status: criteria provided, single submitter. Criteria: ACMG Guidelines, 2015. Collection method: clinical testing. Allele origin: germline.
Comment: The SEMA3G c.944T>G variant is predicted to result in the amino acid substitution p.Leu315Arg. To our knowledge, this variant has not been reported in the literature. This variant is reported in 0.0065% of alleles in individuals of European (Non-Finnish) descent in gnomAD. At this time, the clinical significance of this variant is uncertain due to the absence of conclusive functional and genetic evidence.